The following is an entry in ClinVar:

ClinVar aggregate classification (germline): Uncertain significance (1 of 4 stars; one submission).

Conditions:
Pulmonary fibrosis and/or bone marrow failure, Telomere-related, 3. Also called: PULMONARY FIBROSIS AND/OR BONE MARROW FAILURE SYNDROME, TELOMERE-RELATED, 3. Identifiers: Orphanet 2032, MedGen C4225346, MONDO:0014613, OMIM 616373.
Dyskeratosis congenita, autosomal recessive 5 (DKCB5). Identifiers: MedGen C3554656, MONDO:0014076, OMIM 615190.

Submission:

Labcorp Genetics (formerly Invitae), Labcorp
Classification: Uncertain significance for Dyskeratosis congenita, autosomal recessive 5; Pulmonary fibrosis and/or bone marrow failure, Telomere-related, 3. Last evaluated: 2024-05-15. Review status: criteria provided, single submitter. Criteria: Invitae Variant Classification Sherloc (09022015). Collection method: clinical testing. Allele origin: germline.
Comment: This sequence change replaces proline, which is neutral and non-polar, with threonine, which is neutral and polar, at codon 650 of the RTEL1 protein (p.Pro650Thr). This variant is not present in population databases (gnomAD no frequency). This variant has not been reported in the literature in individuals affected with RTEL1-related conditions. An algorithm developed to predict the effect of missense changes on protein structure and function (PolyPhen-2) suggests that this variant is likely to be disruptive. In summary, the available evidence is currently insufficient to determine the role of this variant in disease. Therefore, it has been classified as a Variant of Uncertain Significance.

NM_001283009.2(RTEL1):c.1948C>A (p.Pro650Thr)

Genes: RTEL1 (regulator of telomere elongation helicase 1; plus strand), RTEL1-TNFRSF6B (RTEL1-TNFRSF6B readthrough (NMD candidate); plus strand). Cytogenetic location: 20q13.33.
Variant type: single nucleotide variant.
Coding change: c.1948C>A on transcript NM_001283009.2 (MANE Select); coding-DNA position 1948, C replaced by A.
Protein change: p.Pro650Thr; replaces proline 650 with threonine.
Molecular consequence: missense variant. On other transcripts: non-coding transcript variant (1).
Genome position (GRCh38, 1-based): chr20:63,689,571, C>A. VCF-style: chr20-63689571-C-A. GRCh37 (hg19) VCF-style: chr20-62320924-C-A.
Other names: c.1279C>A, p.Pro427Thr (NM_001283010.1); c.1948C>A, p.Pro650Thr (NM_016434.4); c.2020C>A, p.Pro674Thr (NM_032957.5); short protein forms P427T, P650T, P674T.
Identifiers: ClinVar variation 3752602 (VCV003752602.2).